The following is an entry in ClinVar:

NM_005633.4(SOS1):c.1485T>G (p.Phe495Leu)

Gene: SOS1 (SOS Ras/Rac guanine nucleotide exchange factor 1; minus strand). Cytogenetic location: 2p22.1.
Variant type: single nucleotide variant.
Coding change: c.1485T>G on transcript NM_005633.4 (MANE Select); coding-DNA position 1485, T replaced by G.
Protein change: p.Phe495Leu; replaces phenylalanine 495 with leucine.
Molecular consequence: missense variant.
Genome position (GRCh38, 1-based): chr2:39,022,943, A>C on the plus strand (T>G on the coding strand, the complement: SOS1 is on the minus strand). VCF-style: chr2-39022943-A-C. GRCh37 (hg19) VCF-style: chr2-39250084-A-C.
Other names: c.1464T>G, p.Phe488Leu (NM_001382394.1); c.1485T>G, p.Phe495Leu (NM_001382395.1); short protein forms F495L, F488L.
Identifiers: ClinVar variation 4747107 (VCV004747107.1).
Genomic context (GRCh38, chr2:39,022,943, plus strand): 5'-TTCAAAAGCATGCTTGTATTCATTGGTGTCATCTTTATCATTAATTTGTACCTTTCGCAT[A>C]AAAAACTTTTCTTTAAGACGATATTCTGCATTGCTAGCACCAGGAAGTCTTGGCTGCCCA-3'
Protein context (NP_005624.2, residues 485-505): NAEYRLKEKF[Phe495Leu]MRKVQINDKD

ClinVar aggregate classification (germline): Uncertain significance (1 of 4 stars; one submission).

Conditions:
RASopathy. Also called: Noonan spectrum disorder; rasopathies. Identifiers: Orphanet 536391, MedGen C5555857, MONDO:0021060.

Submission:

Labcorp Genetics (formerly Invitae), Labcorp
Classification: Uncertain significance for RASopathy. Last evaluated: 2025-06-19. Review status: criteria provided, single submitter. Criteria: Invitae Variant Classification Sherloc (09022015). Collection method: clinical testing. Allele origin: germline.
Comment: This sequence change replaces phenylalanine, which is neutral and non-polar, with leucine, which is neutral and non-polar, at codon 495 of the SOS1 protein (p.Phe495Leu). This variant is not present in population databases (gnomAD no frequency). This variant has not been reported in the literature in individuals affected with SOS1-related conditions. Invitae Evidence Modeling of protein sequence and biophysical properties (such as structural, functional, and spatial information, amino acid conservation, physicochemical variation, residue mobility, and thermodynamic stability) indicates that this missense variant is not expected to disrupt SOS1 protein function with a negative predictive value of 95%. In summary, the available evidence is currently insufficient to determine the role of this variant in disease. Therefore, it has been classified as a Variant of Uncertain Significance.